The following is an entry in ClinVar:

NM_001130987.2(DYSF):c.6017G>A (p.Gly2006Asp)

Gene: DYSF (dysferlin; plus strand). Cytogenetic location: 2p13.2.
Variant type: single nucleotide variant.
Coding change: c.6017G>A on transcript NM_001130987.2 (MANE Select); coding-DNA position 6017, G replaced by A.
Protein change: p.Gly2006Asp; replaces glycine 2006 with aspartic acid.
Molecular consequence: missense variant.
Genome position (GRCh38, 1-based): chr2:71,679,189, G>A. VCF-style: chr2-71679189-G-A. GRCh37 (hg19) VCF-style: chr2-71906319-G-A.
Other names: c.5903G>A, p.Gly1968Asp (NM_001130455.2); c.5858G>A, p.Gly1953Asp (NM_001130976.2); c.5921G>A, p.Gly1974Asp (NM_001130977.2); c.5963G>A, p.Gly1988Asp (NM_001130978.2); c.5993G>A, p.Gly1998Asp (NM_001130979.2); c.5951G>A, p.Gly1984Asp (NM_001130980.2); c.6014G>A, p.Gly2005Asp (NM_001130981.2); c.5996G>A, p.Gly1999Asp (NM_001130982.2); and 5 more; short protein forms G1953D, G1954D, G1967D, G1968D, G1974D, G1975D, G1984D, G1985D.
Identifiers: ClinVar variation 3896659 (VCV003896659.2).

ClinVar aggregate classification (germline): Uncertain significance (1 of 4 stars; one submission).

Submission:

Women's Health and Genetics/Laboratory Corporation of America, LabCorp
Classification: Uncertain significance. Last evaluated: 2025-04-23. Review status: criteria provided, single submitter. Criteria: LabCorp Variant Classification Summary - May 2015. Collection method: clinical testing. Allele origin: germline.
Comment: Variant summary: DYSF c.5900G>A (p.Gly1967Asp) results in a non-conservative amino acid change in the encoded protein sequence. Five of five in-silico tools predict a damaging effect of the variant on protein function. The variant was absent in 251466 control chromosomes (gnomAD). The available data on variant occurrences in the general population are insufficient to allow any conclusion about variant significance. c.5900G>A has been observed in an individual affected with dysferlinopathy (Guo_2021). These data do not allow any conclusion about variant significance. To our knowledge, no experimental evidence demonstrating an impact on protein function has been reported. The following publication has been ascertained in the context of this evaluation (PMID: 33560664). No submitters have cited clinical-significance assessments for this variant to ClinVar. Based on the evidence outlined above, the variant was classified as uncertain significance.

Literature cited by the submitters: PubMed 33560664.